The following is an entry in ClinVar:

NM_000322.5(PRPH2):c.937_938del (p.Pro313fs)

Gene: PRPH2 (peripherin 2; minus strand). Cytogenetic location: 6p21.1.
Variant type: Deletion.
Coding change: c.937_938del on transcript NM_000322.5 (MANE Select); coding-DNA positions 937 to 938, 2 bases deleted (CC; older notation c.937_938delCC).
Protein change: p.Pro313fs; shifts the reading frame from proline 313.
Molecular consequence: frameshift variant.
Genome position (GRCh38, 1-based): chr6:42,698,398-42,698,399, GG deleted on the plus strand (CC on the coding strand, the reverse complement: PRPH2 is on the minus strand). VCF-style (leftmost placement, unchanged base first): chr6-42698397-CGG-C. GRCh37 (hg19) VCF-style: chr6-42666135-CGG-C.
Other names: c.937_938delCC (NM_000322.4); short protein forms P313fs.
Identifiers: ClinVar variation 866600 (VCV000866600.13), dbSNP rs1799986489, ClinGen allele CA916082823.
Genomic context (GRCh38, chr6:42,698,397, plus strand): 5'-TTCCACCTGGTTGCCCTTGCCCAGCTTCTTCACACTCTCCAGAAAGGCCTTCCAGGTCTC[CGG>C]CACGCTCCTCTCCAGCAGCCAGCCCTGGCTCTCGCTCTCAGATTCCTCGGGGTTGGACAC-3'

ClinVar aggregate classification (germline): Conflicting classifications of pathogenicity. Review status: criteria provided, conflicting classifications (1 of 4 stars). 4 submissions from 4 submitters: Likely pathogenic (2); Uncertain significance (1). 1 of the submissions does not count toward it. Last evaluated 2020-07-01.

Conditions:
PRPH2-related disorder. Also called: PRPH2-related disorders; PRPH2-related condition. Identifiers: MedGen CN239395.
Retinitis pigmentosa (RP). Identifiers: Orphanet 791, MedGen C0035334, MeSH D012174, MONDO:0019200, OMIM 268000. Inheritance: Autosomal dominant, autosomal recessive and X linked inheritance.

Submissions (4):

Labcorp Genetics (formerly Invitae), Labcorp
Classification: Likely pathogenic for PRPH2-related disorder. Last evaluated: 2020-07-01. Review status: criteria provided, single submitter. Criteria: Invitae Variant Classification Sherloc (09022015). Collection method: clinical testing. Allele origin: germline.
Comment: In summary, the currently available evidence indicates that the variant is pathogenic, but additional data are needed to prove that conclusively. Therefore, this variant has been classified as Likely Pathogenic. This variant disrupts the C-terminus of the PRPH2 protein. Other variant(s) that disrupt this region (p.Glu314Cysfs*12, p.Trp316* and p.Gln331*) have been observed in individuals with PRPH2-related conditions (PMID: 9338584, 12045052, Invitae). This suggests that this may be a clinically significant region of the protein. This variant has not been reported in the literature in individuals with PRPH2-related conditions. ClinVar contains an entry for this variant (Variation ID: 866600). This variant is not present in population databases (ExAC no frequency). This sequence change results in a frameshift in the PRPH2 gene (p.Pro313Glyfs*78). While this is not anticipated to result in nonsense mediated decay, it is expected to disrupt the last 34 amino acids of the PRPH2 protein and extend the protein by an additional 44 amino acids.

NEI Ophthalmic Genomics Laboratory, National Institutes of Health
Classification: Uncertain significance for Retinitis pigmentosa. Last evaluated: 2020-01-07. Review status: criteria provided, single submitter. Criteria: ACMG Guidelines, 2015. Collection method: clinical testing. Allele origin: germline. Affected: yes.
Comment: The variant NM_000322.4:c.937_938delCC in the PRPH2 gene has not been reported to our knowledge . This variant is not listed in dbSNP and/or HGMD. It is absent in gnomAD browser. It is not enriched in the PRPH2 disease cohort. We invoked ACMG criteria [PM2] and classified NM_000322.4:c.937_938delCC in the PRPH2 gene as a Variant of Uncertain Significance.

Blueprint Genetics
Classification: Likely pathogenic for PRPH2-related disorders. Last evaluated: 2019-05-03. Review status: criteria provided, single submitter. Criteria: ACMG Guidelines, 2015. Collection method: clinical testing. Allele origin: germline. Affected: yes. Observed: 1 variant allele.

Leiden Open Variation Database
Classification: Pathogenic. Last evaluated: 2021-04-06. Review status: no assertion criteria provided. Collection method: curation. Allele origin: germline. Affected: yes. Not counted in ClinVar's aggregate classification.
Comment: Curator: Global Variome, with Curator vacancy. Submitter to LOVD: Manon Peeters.

Literature cited by the submitters: PubMed 9338584 (cited by Labcorp Genetics (formerly Invitae), Labcorp); PubMed 12045052 (cited by Labcorp Genetics (formerly Invitae), Labcorp); PubMed 32531846 (cited by Leiden Open Variation Database).